The following is an entry in ClinVar:

ClinVar aggregate classification (germline): Uncertain significance (1 of 4 stars; one submission).

Conditions:
Cone-rod dystrophy 6 (CORD6). Also called: RETINAL CONE DYSTROPHY 2; Cone dystrophy progressive. Identifiers: Orphanet 1872, MedGen C1866293, MONDO:0011143, OMIM 601777.
Leber congenital amaurosis 1 (LCA1). Also called: AMAUROSIS CONGENITA OF LEBER I; RETINAL BLINDNESS, CONGENITAL; Congenital absence of the rods and cones; Leber's congenital tapetoretinal degeneration; Leber's congenital tapetoretinal dysplasia. Identifiers: Orphanet 65, MedGen C2931258, MONDO:0008764, OMIM 204000.

Submission:

Labcorp Genetics (formerly Invitae), Labcorp
Classification: Uncertain significance for Leber congenital amaurosis 1; Cone-rod dystrophy 6. Last evaluated: 2023-09-27. Review status: criteria provided, single submitter. Criteria: Invitae Variant Classification Sherloc (09022015). Collection method: clinical testing. Allele origin: germline.
Comment: This sequence change replaces lysine, which is basic and polar, with asparagine, which is neutral and polar, at codon 583 of the GUCY2D protein (p.Lys583Asn). This variant also falls at the last nucleotide of exon 8, which is part of the consensus splice site for this exon. This variant is not present in population databases (gnomAD no frequency). This variant has not been reported in the literature in individuals affected with GUCY2D-related conditions. An algorithm developed to predict the effect of missense changes on protein structure and function (PolyPhen-2) suggests that this variant is likely to be disruptive. Variants that disrupt the consensus splice site are a relatively common cause of aberrant splicing (PMID: 17576681, 9536098). Algorithms developed to predict the effect of sequence changes on RNA splicing suggest that this variant may disrupt the consensus splice site. In summary, the available evidence is currently insufficient to determine the role of this variant in disease. Therefore, it has been classified as a Variant of Uncertain Significance.

Literature cited by the submitters: PubMed 17576681; PubMed 9536098.

NM_000180.4(GUCY2D):c.1749G>C (p.Lys583Asn)

Gene: GUCY2D (guanylate cyclase 2D, retinal; plus strand). Cytogenetic location: 17p13.1.
Variant type: single nucleotide variant.
Coding change: c.1749G>C on transcript NM_000180.4 (MANE Select); coding-DNA position 1749, G replaced by C.
Protein change: p.Lys583Asn; replaces lysine 583 with asparagine.
Molecular consequence: missense variant.
Genome position (GRCh38, 1-based): chr17:8,009,586, G>C. VCF-style: chr17-8009586-G-C. GRCh37 (hg19) VCF-style: chr17-7912904-G-C.
Other names: short protein forms K583N.
Identifiers: ClinVar variation 2943856 (VCV002943856.3), dbSNP rs2545422592, ClinGen allele CA397950594.